The following is an entry in ClinVar:

NM_007294.4(BRCA1):c.3327A>C (p.Lys1109Asn)

Genes: BRCA1 (BRCA1 DNA repair associated; minus strand), LOC126862571 (BRD4-independent group 4 enhancer GRCh37_chr17:41243136-41244335; plus strand). Cytogenetic location: 17q21.31.
Variant type: single nucleotide variant.
Coding change: c.3327A>C on transcript NM_007294.4 (MANE Select); coding-DNA position 3327, A replaced by C.
Protein change: p.Lys1109Asn; replaces lysine 1109 with asparagine.
Molecular consequence: missense variant. On other transcripts: intron variant (137).
Genome position (GRCh38, 1-based): chr17:43,092,204, T>G on the plus strand (A>C on the coding strand, the complement: BRCA1 is on the minus strand). VCF-style: chr17-43092204-T-G. GRCh37 (hg19) VCF-style: chr17-41244221-T-G.
Other names: 3446A>C; c.3114A>C, p.Lys1038Asn (NM_001407571.1, NM_001407853.1, NM_001407894.1 and 9 more transcripts); c.3327A>C, p.Lys1109Asn (NM_001407581.1, NM_001407582.1, NM_001407583.1 and 30 more transcripts); c.3324A>C, p.Lys1108Asn (NM_001407587.1, NM_001407590.1, NM_001407591.1 and 22 more transcripts); c.3318A>C, p.Lys1106Asn (NM_001407646.1, NM_001407647.1); c.3204A>C, p.Lys1068Asn (NM_001407648.1, NM_001407664.1, NM_001407665.1 and 19 more transcripts); c.3201A>C, p.Lys1067Asn (NM_001407649.1, NM_001407670.1, NM_001407671.1 and 11 more transcripts); c.3249A>C, p.Lys1083Asn (NM_001407653.1, NM_001407654.1, NM_001407655.1 and 4 more transcripts); and 42 more; short protein forms K1109N, K1062N, K1061N, K1067N, K1108N, K1039N, K1042N, K1021N.
Identifiers: ClinVar variation 37522 (VCV000037522.57), dbSNP rs41293449, ClinGen allele CA002146.
Genomic context (GRCh38, chr17:43,092,204, plus strand): 5'-AATCAGATATGGAGAGAAATCTGTATTAACAGTCTGAACTACTTCTTCATATTCTTGCTT[T>G]TTTATTTCAGGATGCTTACAATTACTTCCAGGAAGACTTTGTTTATAGACCTCAGGTTGC-3'
Protein context (NP_009225.1, residues 1099-1119): PGSNCKHPEI[Lys1109Asn]KQEYEEVVQT

ClinVar aggregate classification (germline): Benign. Review status: reviewed by expert panel (3 of 4 stars). 15 submissions from 15 submitters: Benign (1). 14 of the submissions do not count toward it. Last evaluated 2015-08-10.

Conditions:
BRCA1-related cancer predisposition. Identifiers: MedGen CN377757, MONDO:0700268.
Hereditary cancer-predisposing syndrome. Also called: Neoplastic Syndromes, Hereditary; Tumor predisposition; Hereditary Cancer Syndrome; Hereditary neoplastic syndrome. Identifiers: Orphanet 140162, MedGen C0027672, MeSH D009386, MONDO:0015356.
Hereditary breast ovarian cancer syndrome. Also called: Hereditary breast and ovarian cancer; Breast and ovarian cancer; Hereditary breast and/or ovarian cancer syndrome; Hereditary breast and ovarian cancer syndrome (HBOC); Hereditary breast and ovarian cancer syndrome; BRCA1- and BRCA2-Associated Hereditary Breast and Ovarian Cancer. Identifiers: Orphanet 145, MedGen C0677776, MeSH D061325, MONDO:0003582. Disease mechanism: loss of function.
Breast-ovarian cancer, familial, susceptibility to, 1 (BROVCA1). Also called: OVARIAN CANCER, SUSCEPTIBILITY TO; BRCA1 Hereditary Breast and Ovarian Cancer. Identifiers: Orphanet 145, MedGen C2676676, MONDO:0011450, OMIM 604370. Disease mechanism: loss of function.

Allele frequency attached by ClinVar (database versions not stated): gnomAD 0.00001; TOPMed 0.00002; gnomAD exomes 0.00005 and 0.00006; ExAC 0.00009; ESP Exome Variant Server 0.00015.
gnomAD v4.1: 94 of 1,613,220 alleles (0.0058%); highest among the groups gnomAD compares: Non-Finnish European, 0.0074%; no homozygotes.

Submissions (15):

Evidence-based Network for the Interpretation of Germline Mutant Alleles (ENIGMA)
Classification: Benign for Breast-ovarian cancer, familial 1. Last evaluated: 2015-08-10. Review status: reviewed by expert panel. Criteria: ENIGMA BRCA1/2 Classification Criteria (2015). Collection method: curation. Allele origin: germline.
Comment: IARC class based on posterior probability from multifactorial likelihood analysis, thresholds for class as per Plon et al. 2008 (PMID: 18951446). Class 1 based on posterior probability = 0.0000307

Labcorp Genetics (formerly Invitae), Labcorp
Classification: Benign for Hereditary breast ovarian cancer syndrome. Last evaluated: 2025-12-22. Review status: criteria provided, single submitter. Criteria: Invitae Variant Classification Sherloc (09022015). Collection method: clinical testing. Allele origin: germline. Not counted in ClinVar's aggregate classification.

Center for Genomic Medicine, Rigshospitalet, Copenhagen University Hospital
Classification: Likely benign. Last evaluated: 2025-03-04. Review status: criteria provided, single submitter. Criteria: ACMG Guidelines, 2015. Collection method: clinical testing. Allele origin: germline. Not counted in ClinVar's aggregate classification.

All of Us Research Program, National Institutes of Health
Classification: Benign for BRCA1-related cancer predisposition. Last evaluated: 2024-08-13. Review status: criteria provided, single submitter. Criteria: ACMG Guidelines, 2015. Collection method: clinical testing. Allele origin: germline. Inheritance: Autosomal dominant inheritance. Observed: 6 variant alleles, 6 heterozygotes. Not counted in ClinVar's aggregate classification.
Comment: This study involves interpretation of variants in research participants for the purpose of population health screening. Participant phenotype was not available at the time of variant classification. Additional details can be found in publication PMID: 35346344, PMCID: PMC8962531

Women's Health and Genetics/Laboratory Corporation of America, LabCorp
Classification: Likely benign. Last evaluated: 2024-05-13. Review status: criteria provided, single submitter. Criteria: LabCorp Variant Classification Summary - May 2015. Collection method: clinical testing. Allele origin: germline. Not counted in ClinVar's aggregate classification.
Comment: Variant summary: BRCA1 c.3327A>C (p.Lys1109Asn) results in a non-conservative amino acid change in the encoded protein sequence. Three of five in-silico tools predict a benign effect of the variant on protein function. This frequency is not significantly higher than expected for a pathogenic variant in BRCA1 causing Hereditary Breast and Ovarian Cancer (4.9e-05 vs 1.00e-03), allowing no conclusion about variant significance. c.3327A>C has been reported in the literature in affected individuals (Gorringe_2008, Lu_2012, Oktay_2010). These report(s) do not provide unequivocal conclusions about association of the variant with Hereditary Breast and Ovarian Cancer. Co-occurrences with other pathogenic variant(s) have been reported (BRCA1 c.427G>T, p.Glu143X), providing supporting evidence for a benign role. To our knowledge, no experimental evidence demonstrating an impact on protein function has been reported. The following publications have been ascertained in the context of this evaluation (PMID: 16267036, 16518693, 15385441, 21990134, 17924331, 18824701, 12531920, 22753008, 18375895, 22476429, 19996028, 17972171, 25589003). ClinVar contains an entry for this variant (Variation ID: 37522). Based on the evidence outlined above, the variant was classified as likely benign.

CeGaT Center for Human Genetics Tuebingen
Classification: Likely benign. Last evaluated: 2024-01-01. Review status: criteria provided, single submitter. Criteria: CeGaT Center For Human Genetics Tuebingen Variant Classification Criteria Version 2. Collection method: clinical testing. Allele origin: germline. Affected: yes. Observed: 1 variant allele. Not counted in ClinVar's aggregate classification.
Comment: BRCA1: BP1

Sema4
Classification: Likely benign for Hereditary cancer-predisposing syndrome. Last evaluated: 2021-07-26. Review status: criteria provided, single submitter. Criteria: Sema4 Curation Guidelines. Collection method: curation. Allele origin: germline. Not counted in ClinVar's aggregate classification.

GeneDx
Classification: Likely benign. Last evaluated: 2021-01-25. Review status: criteria provided, single submitter. Criteria: GeneDx Variant Classification Process June 2021. Collection method: clinical testing. Allele origin: germline. Affected: yes. Not counted in ClinVar's aggregate classification.
Comment: This variant is associated with the following publications: (PMID: 25589003, 15385441, 17924331, 21990134, 16518693, 19996028, 18375895, 12531920, 21203900, 22753008)

ARUP Laboratories, Molecular Genetics and Genomics, ARUP Laboratories
Classification: Likely benign. Last evaluated: 2020-12-14. Review status: criteria provided, single submitter. Criteria: ARUP Molecular Germline Variant Investigation Process 2021. Collection method: clinical testing. Allele origin: germline. Not counted in ClinVar's aggregate classification.

Color Diagnostics, LLC DBA Color Health
Classification: Benign for Hereditary cancer-predisposing syndrome. Last evaluated: 2016-04-27. Review status: criteria provided, single submitter. Criteria: ACMG Guidelines, 2015. Collection method: clinical testing. Allele origin: germline. Not counted in ClinVar's aggregate classification.

Ambry Genetics
Classification: Benign for Hereditary cancer-predisposing syndrome. Last evaluated: 2014-11-18. Review status: criteria provided, single submitter. Criteria: Ambry Variant Classification Scheme 2023. Collection method: clinical testing. Allele origin: germline. Not counted in ClinVar's aggregate classification.

BRCAlab, Lund University
Classification: Benign for Breast-ovarian cancer, familial, susceptibility to, 1. Last evaluated: 2020-03-02. Review status: no assertion criteria provided. Collection method: clinical testing. Allele origin: germline. Affected: yes. Not counted in ClinVar's aggregate classification.

Counsyl
Classification: Benign for Breast-ovarian cancer, familial, susceptibility to, 1. Last evaluated: 2016-02-12. Review status: no assertion criteria provided. Collection method: clinical testing. Allele origin: unknown. Not counted in ClinVar's aggregate classification.

Sharing Clinical Reports Project (SCRP)
Classification: Benign for Breast-ovarian cancer, familial 1. Last evaluated: 2010-11-30. Review status: no assertion criteria provided. Collection method: clinical testing. Allele origin: germline. Not counted in ClinVar's aggregate classification.

Department of Pathology and Laboratory Medicine, Sinai Health System
Classification: Uncertain significance. Review status: no assertion criteria provided. Collection method: clinical testing. Allele origin: unknown. Affected: yes. Observed: 1 variant allele. Study: The Canadian Open Genetics Repository (COGR). Not counted in ClinVar's aggregate classification.
Comment: The c.3327A>C / p.Lys1109Asn is a missense variant, located in exon 11 of BRCA1. It is listed in dbSNP database (rs-id=rs41293449) from a clinical source where no frequency information was provided; therefore no conclusions can be drawn for its population occurrence. The c.3327A_C variant is classified as â€šÃ„Ãºnot pathogenic or of no clinical significanceâ€šÃ„Ã¹ by two studies (Easton_2007_17924331, Tavtigian_2008_18951461. Another variant in the same position and resulting in the same amino acid alteration (c.3327A>G, p.lys1109Asn) is also reported in LOVD and BIC databases with unknown pathogenicity. A variant classification study using in silico and probability based likelyhood pathogenicity assays also presents this variant to have an unclassified pathogenicity (Spurdle_2008_18375895, Lindor_2011_21990134). The Lys1109 residue is conserved across mammals and species and computational analyses, SIFT, suggest that this variant may impact the protein; however, this information is not predictive enough to assume pathogenicity. Based on the above information, the pathogenicity of this variants cannot be determined, thus we tend to classify it as a variant of uncertain clinical significance (VUS).

Literature cited by the submitters: PubMed 21990134 (cited by Evidence-based Network for the Interpretation of Germline Mutant Alleles (ENIGMA) and Women's Health and Genetics/Laboratory Corporation of America, LabCorp); PubMed 16267036 (cited by Women's Health and Genetics/Laboratory Corporation of America, LabCorp); PubMed 16518693 (cited by Women's Health and Genetics/Laboratory Corporation of America, LabCorp); PubMed 15385441 (cited by Women's Health and Genetics/Laboratory Corporation of America, LabCorp); PubMed 17924331 (cited by Women's Health and Genetics/Laboratory Corporation of America, LabCorp); PubMed 18824701 (cited by Women's Health and Genetics/Laboratory Corporation of America, LabCorp and Counsyl); PubMed 12531920 (cited by Women's Health and Genetics/Laboratory Corporation of America, LabCorp); PubMed 22753008 (cited by Women's Health and Genetics/Laboratory Corporation of America, LabCorp); PubMed 18375895 (cited by Women's Health and Genetics/Laboratory Corporation of America, LabCorp); PubMed 22476429 (cited by Women's Health and Genetics/Laboratory Corporation of America, LabCorp and Counsyl); PubMed 19996028 (cited by Women's Health and Genetics/Laboratory Corporation of America, LabCorp and Counsyl); PubMed 17972171 (cited by Women's Health and Genetics/Laboratory Corporation of America, LabCorp); PubMed 25589003 (cited by Women's Health and Genetics/Laboratory Corporation of America, LabCorp).